The following is an entry in ClinVar:

NM_031885.5(BBS2):c.68G>T (p.Arg23Leu)

Gene: BBS2 (Bardet-Biedl syndrome 2; minus strand). Cytogenetic location: 16q13.
Variant type: single nucleotide variant.
Coding change: c.68G>T on transcript NM_031885.5 (MANE Select); coding-DNA position 68, G replaced by T.
Protein change: p.Arg23Leu; replaces arginine 23 with leucine.
Molecular consequence: missense variant. On other transcripts: non-coding transcript variant (5).
Genome position (GRCh38, 1-based): chr16:56,519,795, C>A on the plus strand (G>T on the coding strand, the complement: BBS2 is on the minus strand). VCF-style: chr16-56519795-C-A. GRCh37 (hg19) VCF-style: chr16-56553707-C-A.
Other names: c.68G>T, p.Arg23Leu (NM_001377456.1); short protein forms R23L.
Identifiers: ClinVar variation 1063398 (VCV001063398.10), dbSNP rs1162842645, ClinGen allele CA395988106.

ClinVar aggregate classification (germline): Uncertain significance. Review status: criteria provided, single submitter (1 of 4 stars). 2 submissions from 2 submitters: Uncertain significance (1). 1 of the submissions does not count toward it. Last evaluated 2022-07-06.

Conditions:
Bardet-Biedl syndrome (BBS). Identifiers: Orphanet 110, MedGen C0752166, MONDO:0015229.
Bardet-Biedl syndrome 2 (BBS2). Identifiers: Orphanet 110, MedGen C2936863, MONDO:0014432, OMIM 615981.

Allele frequency attached by ClinVar (database versions not stated): gnomAD exomes below 0.00001; TOPMed below 0.00001.

Submissions (2):

Labcorp Genetics (formerly Invitae), Labcorp
Classification: Uncertain significance for Bardet-Biedl syndrome. Last evaluated: 2022-07-06. Review status: criteria provided, single submitter. Criteria: Invitae Variant Classification Sherloc (09022015). Collection method: clinical testing. Allele origin: germline.
Comment: This sequence change replaces arginine, which is basic and polar, with leucine, which is neutral and non-polar, at codon 23 of the BBS2 protein (p.Arg23Leu). The frequency data for this variant in the population databases is considered unreliable, as metrics indicate poor data quality at this position in the gnomAD database. This variant has not been reported in the literature in individuals affected with BBS2-related conditions. ClinVar contains an entry for this variant (Variation ID: 1063398). Algorithms developed to predict the effect of missense changes on protein structure and function (SIFT, PolyPhen-2, Align-GVGD) all suggest that this variant is likely to be tolerated. In summary, the available evidence is currently insufficient to determine the role of this variant in disease. Therefore, it has been classified as a Variant of Uncertain Significance.

Natera, Inc.
Classification: Uncertain significance for Bardet-Biedl syndrome type 2. Last evaluated: 2021-05-31. Review status: no assertion criteria provided. Collection method: clinical testing. Allele origin: germline. Not counted in ClinVar's aggregate classification.